The following is an entry in ClinVar:

NM_000214.3(JAG1):c.1720+1G>C

Gene: JAG1 (jagged canonical Notch ligand 1; minus strand). Cytogenetic location: 20p12.2.
Variant type: single nucleotide variant.
Coding change: c.1720+1G>C on transcript NM_000214.3 (MANE Select); the canonical splice donor site of the intron after coding-DNA position 1720, G replaced by C.
Molecular consequence: splice donor variant.
Genome position (GRCh38, 1-based): chr20:10,647,959, C>G on the plus strand (G>C on the coding strand, the complement: JAG1 is on the minus strand). VCF-style: chr20-10647959-C-G. GRCh37 (hg19) VCF-style: chr20-10628607-C-G.
Identifiers: ClinVar variation 1066087 (VCV001066087.7), dbSNP rs2122607604, ClinGen allele CA408236694.

ClinVar aggregate classification (germline): Likely pathogenic (1 of 4 stars; one submission).

Conditions:
Alagille syndrome due to a JAG1 point mutation. Also called: HEPATIC DUCTULAR HYPOPLASIA, SYNDROMATIC; JAG1-Related Alagille Syndrome; Alagille Syndrome 1. Identifiers: Orphanet 261619, Orphanet 52, MedGen C1956125, MONDO:0016862, OMIM 118450.

Submission:

Labcorp Genetics (formerly Invitae), Labcorp
Classification: Likely pathogenic for Alagille syndrome due to a JAG1 point mutation. Last evaluated: 2020-07-16. Review status: criteria provided, single submitter. Criteria: Invitae Variant Classification Sherloc (09022015). Collection method: clinical testing. Allele origin: germline.
Comment: This variant has not been reported in the literature in individuals with JAG1-related conditions. Algorithms developed to predict the effect of sequence changes on RNA splicing suggest that this variant may disrupt the consensus splice site, but this prediction has not been confirmed by published transcriptional studies. Donor and acceptor splice site variants typically lead to a loss of protein function (PMID: 16199547), and loss-of-function variants in JAG1 are known to be pathogenic (PMID: 11180599). In summary, the currently available evidence indicates that the variant is pathogenic, but additional data are needed to prove that conclusively. Therefore, this variant has been classified as Likely Pathogenic. This variant is not present in population databases (ExAC no frequency). This sequence change affects a donor splice site in intron 13 of the JAG1 gene. It is expected to disrupt RNA splicing and likely results in an absent or disrupted protein product.

Literature cited by the submitters: PubMed 16199547; PubMed 11180599.